The following is an entry in ClinVar:

ClinVar aggregate classification (germline): Likely benign (1 of 4 stars; one submission).

Allele frequency attached by ClinVar (database versions not stated): gnomAD 0.00003; gnomAD exomes 0.00003; ExAC 0.00005; TOPMed 0.00010; 1000 Genomes Project 0.00026; 1000 Genomes Project 30x 0.00042.
gnomAD v4.1: 36 of 1,209,616 alleles (0.003%); highest among the groups gnomAD compares: South Asian, 0.012%; no homozygotes.

Submission:

CeGaT Center for Human Genetics Tuebingen
Classification: Likely benign. Last evaluated: 2025-07-01. Review status: criteria provided, single submitter. Criteria: CeGaT Center For Human Genetics Tuebingen Variant Classification Criteria Version 2. Collection method: clinical testing. Allele origin: germline. Affected: yes. Observed: 4 variant alleles.
Comment: DLG3: BP4, BP7, BS2

NM_021120.4(DLG3):c.1656C>T (p.His552=)

Gene: DLG3 (discs large MAGUK scaffold protein 3; plus strand). Cytogenetic location: Xq13.1.
Variant type: single nucleotide variant.
Coding change: c.1656C>T on transcript NM_021120.4 (MANE Select); coding-DNA position 1656, C replaced by T.
Protein change: p.His552=; no amino-acid change (histidine 552 retained).
Molecular consequence: synonymous variant.
Genome position (GRCh38, 1-based): chrX:70,492,242, C>T. VCF-style: chrX-70492242-C-T. GRCh37 (hg19) VCF-style: chrX-69712092-C-T.
Other names: c.207C>T, p.His69= (NM_001166278.2); c.645C>T, p.His215= (NM_020730.3).
Identifiers: ClinVar variation 3250594 (VCV003250594.18), dbSNP rs183374764.